The following is an entry in ClinVar:

NM_004064.5(CDKN1B):c.221A>G (p.Tyr74Cys)

Gene: CDKN1B (cyclin dependent kinase inhibitor 1B; plus strand). Cytogenetic location: 12p13.1.
Variant type: single nucleotide variant.
Coding change: c.221A>G on transcript NM_004064.5 (MANE Select); coding-DNA position 221, A replaced by G.
Protein change: p.Tyr74Cys; replaces tyrosine 74 with cysteine.
Molecular consequence: missense variant.
Genome position (GRCh38, 1-based): chr12:12,718,060, A>G. VCF-style: chr12-12718060-A-G. GRCh37 (hg19) VCF-style: chr12-12870994-A-G.
Other names: c.221A>G (NM_004064.3); short protein forms Y74C.
Identifiers: ClinVar variation 2084294 (VCV002084294.5), dbSNP rs775677772, ClinGen allele CA6457417.

ClinVar aggregate classification (germline): Uncertain significance. Review status: criteria provided, multiple submitters, no conflicts (2 of 4 stars). 2 submissions from 2 submitters: Uncertain significance (2). Last evaluated 2024-03-07.

Conditions:
Hereditary cancer-predisposing syndrome. Also called: Hereditary Cancer Syndrome; Hereditary neoplastic syndrome; Neoplastic Syndromes, Hereditary; Tumor predisposition. Identifiers: Orphanet 140162, MedGen C0027672, MeSH D009386, MONDO:0015356.
Multiple endocrine neoplasia type 4. Also called: MULTIPLE ENDOCRINE NEOPLASIA, TYPE IV. Identifiers: Orphanet 276152, MedGen C1970712, MONDO:0012552, OMIM 610755.

Allele frequency attached by ClinVar (database versions not stated): gnomAD exomes below 0.00001; ExAC 0.00001.
gnomAD v4.1: 1 of 1,614,264 alleles (0.000062%); highest among the groups gnomAD compares: South Asian, 0.0011%; no homozygotes.

Submissions (2):

Ambry Genetics
Classification: Uncertain significance for Hereditary cancer-predisposing syndrome. Last evaluated: 2024-03-07. Review status: criteria provided, single submitter. Criteria: Ambry Variant Classification Scheme 2023. Collection method: clinical testing. Allele origin: germline.
Comment: The p.Y74C variant (also known as c.221A>G), located in coding exon 1 of the CDKN1B gene, results from an A to G substitution at nucleotide position 221. The tyrosine at codon 74 is replaced by cysteine, an amino acid with highly dissimilar properties. This amino acid position is conserved. In addition, the in silico prediction for this alteration is inconclusive. Based on the available evidence, the clinical significance of this alteration remains unclear.

Labcorp Genetics (formerly Invitae), Labcorp
Classification: Uncertain significance for Multiple endocrine neoplasia type 4. Last evaluated: 2022-08-24. Review status: criteria provided, single submitter. Criteria: Invitae Variant Classification Sherloc (09022015). Collection method: clinical testing. Allele origin: germline.
Comment: This variant is present in population databases (rs775677772, gnomAD 0.003%). This sequence change replaces tyrosine, which is neutral and polar, with cysteine, which is neutral and slightly polar, at codon 74 of the CDKN1B protein (p.Tyr74Cys). This variant has not been reported in the literature in individuals affected with CDKN1B-related conditions. In summary, the available evidence is currently insufficient to determine the role of this variant in disease. Therefore, it has been classified as a Variant of Uncertain Significance. Algorithms developed to predict the effect of missense changes on protein structure and function (SIFT, PolyPhen-2, Align-GVGD) all suggest that this variant is likely to be disruptive.